The following is an entry in ClinVar:

ClinVar aggregate classification (germline): Likely benign (1 of 4 stars; one submission).

Submission:

CeGaT Center for Human Genetics Tuebingen
Classification: Likely benign. Last evaluated: 2022-04-01. Review status: criteria provided, single submitter. Criteria: CeGaT Center For Human Genetics Tuebingen Variant Classification Criteria Version 2. Collection method: clinical testing. Allele origin: germline. Affected: yes. Observed: 1 variant allele.
Comment: ZNF605: PM2:Supporting, BP4, BP7

NM_183238.4(ZNF605):c.1759A>C (p.Arg587=)

Gene: ZNF605 (zinc finger protein 605; minus strand). Cytogenetic location: 12q24.33.
Variant type: single nucleotide variant.
Coding change: c.1759A>C on transcript NM_183238.4 (MANE Select); coding-DNA position 1759, A replaced by C.
Protein change: p.Arg587=; no amino-acid change (arginine 587 retained).
Molecular consequence: synonymous variant.
Genome position (GRCh38, 1-based): chr12:132,925,540, T>G on the plus strand (A>C on the coding strand, the complement: ZNF605 is on the minus strand). VCF-style: chr12-132925540-T-G. GRCh37 (hg19) VCF-style: chr12-133502126-T-G.
Other names: c.1852A>C, p.Arg618= (NM_001164715.2).
Identifiers: ClinVar variation 2643661 (VCV002643661.24), dbSNP rs2500071881, ClinGen allele CA482854518.